The following is an entry in ClinVar:

NM_024513.4(FYCO1):c.289-14T>A

Gene: FYCO1 (FYVE and coiled-coil domain autophagy adaptor 1; minus strand). Cytogenetic location: 3p21.31.
Variant type: single nucleotide variant.
Coding change: c.289-14T>A on transcript NM_024513.4 (MANE Select); 14 bases into the intron before coding-DNA position 289, T replaced by A.
Molecular consequence: intron variant.
Genome position (GRCh38, 1-based): chr3:45,975,359, A>T on the plus strand (T>A on the coding strand, the complement: FYCO1 is on the minus strand). VCF-style: chr3-45975359-A-T. GRCh37 (hg19) VCF-style: chr3-46016851-A-T.
Identifiers: ClinVar variation 261725 (VCV000261725.18), dbSNP rs751552, ClinGen allele CA2353520.
Genomic context (GRCh38, chr3:45,975,359, plus strand): 5'-AAGGAGTAGCGAATAAATGCTCTTCCTTTCCCCAAGGATGTTCGGAGCTGGAAAAAGCAG[A>T]TTACATAGAGCCAAAGAGCTGTCAGCCTAACTCCAAATACAGACCTGGTCTCATAGATGG-3'

ClinVar aggregate classification (germline): Benign. Review status: criteria provided, multiple submitters, no conflicts (2 of 4 stars). 6 submissions from 6 submitters: Benign (6). Last evaluated 2026-01-28.

Conditions:
Cataract 18 (CATC2). Also called: CATARACT 18, AUTOSOMAL RECESSIVE. Identifiers: Orphanet 91492, Orphanet 98991, Orphanet 98992, Orphanet 98995, MedGen C1864908, MONDO:0012395, OMIM 610019.

Allele frequency attached by ClinVar (database versions not stated): TOPMed 0.34999; ESP Exome Variant Server 0.32685; 1000 Genomes Project 0.38698; gnomAD 0.35691 and 0.34838; ExAC 0.43051; 1000 Genomes Project 30x 0.37929; gnomAD exomes 0.44172.
gnomAD v4.1: 673,348 of 1,599,240 alleles (42%); highest among the groups gnomAD compares: East Asian, 65%; 148,401 homozygotes.

Submissions (9):

Labcorp Genetics (formerly Invitae), Labcorp
Classification: Benign for Cataract 18. Last evaluated: 2026-01-28. Review status: criteria provided, single submitter. Criteria: Invitae Variant Classification Sherloc (09022015). Collection method: clinical testing. Allele origin: germline.

Genome-Nilou Lab
Classification: Benign for Cataract 18. Last evaluated: 2021-08-10. Review status: criteria provided, single submitter. Criteria: ACMG Guidelines, 2015. Collection method: clinical testing. Allele origin: germline. Affected: no.

GeneDx
Classification: Benign. Last evaluated: 2018-07-21. Review status: criteria provided, single submitter. Criteria: GeneDx Variant Classification Process June 2021. Collection method: clinical testing. Allele origin: germline. Affected: yes.

Illumina Laboratory Services, Illumina
Classification: Benign for Cataract 18. Last evaluated: 2018-01-12. Review status: criteria provided, single submitter. Criteria: ICSL Variant Classification Criteria 13 December 2019. Collection method: clinical testing. Allele origin: germline.
Comment: This variant was observed in the ICSL laboratory as part of a predisposition screen in an ostensibly healthy population. It had not been previously curated by ICSL or reported in the Human Gene Mutation Database (HGMD: prior to June 1st, 2018), and was therefore a candidate for classification through an automated scoring system. Utilizing variant allele frequency, disease prevalence and penetrance estimates, and inheritance mode, an automated score was calculated to assess if this variant is too frequent to cause the disease. Based on the score and internal cut-off values, a variant classified as benign is not then subjected to further curation. The score for this variant resulted in a classification of benign for this disease.

Breakthrough Genomics
Classification: Benign. Review status: criteria provided, single submitter. Criteria: ACMG Guidelines, 2015. Collection method: not provided. Allele origin: germline. Inheritance: Autosomal recessive inheritance. Affected: yes.

PreventionGenetics, part of Exact Sciences
Classification: Benign. Review status: criteria provided, single submitter. Criteria: ACMG Guidelines, 2015. Collection method: clinical testing. Allele origin: germline.

Dr. Peter K. Rogan Lab, Western University
No classification provided (evidence only). Condition: Familial cancer of breast. Review status: no classification provided. Collection method: in vitro. Allele origin: not applicable. Functional consequence: retained intron. Not counted in ClinVar's aggregate classification.

Dr. Peter K. Rogan Lab, Western University
No classification provided (evidence only). Condition: Hepatocellular carcinoma. Review status: no classification provided. Collection method: in vitro. Allele origin: not applicable. Functional consequence: retained intron. Not counted in ClinVar's aggregate classification.

Dr. Peter K. Rogan Lab, Western University
No classification provided (evidence only). Condition: Hepatocellular carcinoma. Review status: no classification provided. Collection method: in vitro. Allele origin: not applicable. Functional consequence: retained intron. Not counted in ClinVar's aggregate classification.